The following is an entry in ClinVar:

ClinVar aggregate classification (germline): Uncertain significance (1 of 4 stars; one submission).

Allele frequency attached by ClinVar (database versions not stated): gnomAD 0.00001; gnomAD exomes 0.00001; TOPMed 0.00002.
gnomAD v4.1: 12 of 1,551,504 alleles (0.00077%); highest among the groups gnomAD compares: East Asian, 0.024%; no homozygotes.

Submission:

Labcorp Genetics (formerly Invitae), Labcorp
Classification: Uncertain significance. Last evaluated: 2022-01-03. Review status: criteria provided, single submitter. Criteria: Invitae Variant Classification Sherloc (09022015). Collection method: clinical testing. Allele origin: germline.
Comment: This sequence change replaces leucine, which is neutral and non-polar, with phenylalanine, which is neutral and non-polar, at codon 1496 of the LOXHD1 protein (p.Leu1496Phe). This variant is present in population databases (no rsID available, gnomAD 0.08%). This variant has not been reported in the literature in individuals affected with LOXHD1-related conditions. Algorithms developed to predict the effect of missense changes on protein structure and function are either unavailable or do not agree on the potential impact of this missense change (SIFT: "Deleterious"; PolyPhen-2: "Probably Damaging"; Align-GVGD: "Class C0"). In summary, the available evidence is currently insufficient to determine the role of this variant in disease. Therefore, it has been classified as a Variant of Uncertain Significance.

NM_001384474.1(LOXHD1):c.4486C>T (p.Leu1496Phe)

Gene: LOXHD1 (lipoxygenase homology PLAT domains 1; minus strand). Cytogenetic location: 18q21.1.
Variant type: single nucleotide variant.
Coding change: c.4486C>T on transcript NM_001384474.1 (MANE Select); coding-DNA position 4486, C replaced by T.
Protein change: p.Leu1496Phe; replaces leucine 1496 with phenylalanine.
Molecular consequence: missense variant.
Genome position (GRCh38, 1-based): chr18:46,529,221, G>A on the plus strand (C>T on the coding strand, the complement: LOXHD1 is on the minus strand). VCF-style: chr18-46529221-G-A. GRCh37 (hg19) VCF-style: chr18-44109184-G-A.
Other names: c.1153C>T, p.Leu385Phe (NM_001145472.3); c.865C>T, p.Leu289Phe (NM_001308013.2); c.4486C>T, p.Leu1496Phe (NM_144612.7); short protein forms L1496F, L289F, L385F.
Identifiers: ClinVar variation 2085604 (VCV002085604.1), dbSNP rs1252246833, ClinGen allele CA402373766.